The following is an entry in ClinVar:

NM_006755.2(TALDO1):c.930C>G (p.Asp310Glu)

Gene: TALDO1 (transaldolase 1; plus strand). Cytogenetic location: 11p15.5.
Variant type: single nucleotide variant.
Coding change: c.930C>G on transcript NM_006755.2 (MANE Select); coding-DNA position 930, C replaced by G.
Protein change: p.Asp310Glu; replaces aspartic acid 310 with glutamic acid.
Molecular consequence: missense variant.
Genome position (GRCh38, 1-based): chr11:764,382, C>G. VCF-style: chr11-764382-C-G. GRCh37 (hg19) VCF-style: chr11-764382-C-G.
Other names: short protein forms D310E.
Identifiers: ClinVar variation 2037001 (VCV002037001.4), dbSNP rs181385165, ClinGen allele CA378938632.
Genomic context (GRCh38, chr11:764,382, plus strand): 5'-TGAGAAGTCTTTCCGTTGGTTGCACAACGAGGACCAGATGGCTGTGGAGAAGCTCTCTGA[C>G]GGGATCCGCAAGTTTGCCGCTGATGCAGTGAAGCTGGAGCGGATGCTGACAGTGAGTGTT-3'
Protein context (NP_006746.1, residues 300-320): EDQMAVEKLS[Asp310Glu]GIRKFAADAV

ClinVar aggregate classification (germline): Uncertain significance (1 of 4 stars; one submission).

gnomAD v4.1: 2 of 1,614,246 alleles (0.00012%); highest among the groups gnomAD compares: Non-Finnish European, 0.00017%; no homozygotes.

Submission:

Labcorp Genetics (formerly Invitae), Labcorp
Classification: Uncertain significance. Last evaluated: 2022-11-28. Review status: criteria provided, single submitter. Criteria: Invitae Variant Classification Sherloc (09022015). Collection method: clinical testing. Allele origin: germline.
Comment: This variant has not been reported in the literature in individuals affected with TALDO1-related conditions. In summary, the available evidence is currently insufficient to determine the role of this variant in disease. Therefore, it has been classified as a Variant of Uncertain Significance. Advanced modeling of protein sequence and biophysical properties (such as structural, functional, and spatial information, amino acid conservation, physicochemical variation, residue mobility, and thermodynamic stability) performed at Invitae indicates that this missense variant is not expected to disrupt TALDO1 protein function. This variant is not present in population databases (gnomAD no frequency). This sequence change replaces aspartic acid, which is acidic and polar, with glutamic acid, which is acidic and polar, at codon 310 of the TALDO1 protein (p.Asp310Glu).